The following is an entry in ClinVar:

NM_001999.4(FBN2):c.4717+5G>A

Gene: FBN2 (fibrillin 2; minus strand). Cytogenetic location: 5q23.3.
Variant type: single nucleotide variant.
Coding change: c.4717+5G>A on transcript NM_001999.4 (MANE Select); 5 bases into the intron after coding-DNA position 4717, G replaced by A.
Molecular consequence: intron variant.
Genome position (GRCh38, 1-based): chr5:128,318,144, C>T on the plus strand (G>A on the coding strand, the complement: FBN2 is on the minus strand). VCF-style: chr5-128318144-C-T. GRCh37 (hg19) VCF-style: chr5-127653836-C-T.
Identifiers: ClinVar variation 4819512 (VCV004819512.1).

ClinVar aggregate classification (germline): Uncertain significance (1 of 4 stars; one submission).

Submission:

GeneDx
Classification: Uncertain significance. Last evaluated: 2025-09-30. Review status: criteria provided, single submitter. Criteria: GeneDx Variant Classification Process June 2021. Collection method: clinical testing. Allele origin: germline. Affected: yes.
Comment: Not observed at significant frequency in large population cohorts (gnomAD); In silico analysis supports a deleterious effect on splicing; Has not been previously published as pathogenic or benign to our knowledge